The following is an entry in ClinVar:

NM_000245.4(MET):c.554T>A (p.Leu185His)

Gene: MET (MET proto-oncogene, receptor tyrosine kinase; plus strand). Cytogenetic location: 7q31.2.
Variant type: single nucleotide variant.
Coding change: c.554T>A on transcript NM_000245.4 (MANE Select); coding-DNA position 554, T replaced by A.
Protein change: p.Leu185His; replaces leucine 185 with histidine.
Molecular consequence: missense variant. On other transcripts: intron variant (1).
Genome position (GRCh38, 1-based): chr7:116,699,638, T>A. VCF-style: chr7-116699638-T-A. GRCh37 (hg19) VCF-style: chr7-116339692-T-A.
Other names: c.554T>A, p.Leu185His (NM_001127500.3, NM_001324401.3); c.-91+27061T>A (NM_001324402.2); short protein forms L185H.
Identifiers: ClinVar variation 1001112 (VCV001001112.10), dbSNP rs1791489495, ClinGen allele CA368969333.

ClinVar aggregate classification (germline): Uncertain significance. Review status: criteria provided, multiple submitters, no conflicts (2 of 4 stars). 3 submissions from 3 submitters: Uncertain significance (3). Last evaluated 2024-12-10.

Conditions:
Hereditary cancer-predisposing syndrome. Also called: Neoplastic Syndromes, Hereditary; Tumor predisposition; Hereditary Cancer Syndrome; Hereditary neoplastic syndrome. Identifiers: Orphanet 140162, MedGen C0027672, MeSH D009386, MONDO:0015356.
Renal cell carcinoma. Identifiers: Orphanet 217071, MedGen C0007134, MeSH D002292, MONDO:0005086, HP:0005584.

Allele frequency attached by ClinVar (database versions not stated): gnomAD exomes below 0.00001.
gnomAD v4.1: 1 of 1,613,964 alleles (0.000062%); highest among the groups gnomAD compares: Middle Eastern, 0.017%; no homozygotes.

Submissions (3):

Ambry Genetics
Classification: Uncertain significance for Hereditary cancer-predisposing syndrome. Last evaluated: 2024-12-10. Review status: criteria provided, single submitter. Criteria: Ambry Variant Classification Scheme 2023. Collection method: clinical testing. Allele origin: germline.
Comment: The p.L185H variant (also known as c.554T>A), located in coding exon 1 of the MET gene, results from a T to A substitution at nucleotide position 554. The leucine at codon 185 is replaced by histidine, an amino acid with similar properties. This amino acid position is highly conserved in available vertebrate species. In addition, the in silico prediction for this alteration is inconclusive. Based on the available evidence, the clinical significance of this variant remains unclear.

Labcorp Genetics (formerly Invitae), Labcorp
Classification: Uncertain significance for Renal cell carcinoma. Last evaluated: 2024-07-25. Review status: criteria provided, single submitter. Criteria: Invitae Variant Classification Sherloc (09022015). Collection method: clinical testing. Allele origin: germline.
Comment: This sequence change replaces leucine, which is neutral and non-polar, with histidine, which is basic and polar, at codon 185 of the MET protein (p.Leu185His). This variant is not present in population databases (gnomAD no frequency). This variant has not been reported in the literature in individuals affected with MET-related conditions. ClinVar contains an entry for this variant (Variation ID: 1001112). Advanced modeling of protein sequence and biophysical properties (such as structural, functional, and spatial information, amino acid conservation, physicochemical variation, residue mobility, and thermodynamic stability) performed at Invitae indicates that this missense variant is expected to disrupt MET protein function with a positive predictive value of 80%. In summary, the available evidence is currently insufficient to determine the role of this variant in disease. Therefore, it has been classified as a Variant of Uncertain Significance.

GeneDx
Classification: Uncertain significance. Last evaluated: 2022-12-19. Review status: criteria provided, single submitter. Criteria: GeneDx Variant Classification Process June 2021. Collection method: clinical testing. Allele origin: germline. Affected: yes.
Comment: Not observed at significant frequency in large population cohorts (gnomAD); In silico analysis supports that this missense variant has a deleterious effect on protein structure/function; Has not been previously published as pathogenic or benign to our knowledge